The following is an entry in ClinVar:

NM_002470.4(MYH3):c.5457+6T>C

Gene: MYH3 (myosin heavy chain 3; minus strand). Cytogenetic location: 17p13.1.
Variant type: single nucleotide variant.
Coding change: c.5457+6T>C on transcript NM_002470.4 (MANE Select); 6 bases into the intron after coding-DNA position 5457, T replaced by C.
Molecular consequence: intron variant.
Genome position (GRCh38, 1-based): chr17:10,630,282, A>G on the plus strand (T>C on the coding strand, the complement: MYH3 is on the minus strand). VCF-style: chr17-10630282-A-G. GRCh37 (hg19) VCF-style: chr17-10533599-A-G.
Identifiers: ClinVar variation 2743267 (VCV002743267.3), dbSNP rs1408855190, ClinGen allele CA725966952.

ClinVar aggregate classification (germline): Uncertain significance (1 of 4 stars; one submission).

Allele frequency attached by ClinVar (database versions not stated): TOPMed below 0.00001; gnomAD 0.00001; gnomAD exomes 0.00001.

Submission:

Labcorp Genetics (formerly Invitae), Labcorp
Classification: Uncertain significance. Last evaluated: 2023-07-14. Review status: criteria provided, single submitter. Criteria: Invitae Variant Classification Sherloc (09022015). Collection method: clinical testing. Allele origin: germline.
Comment: In summary, the available evidence is currently insufficient to determine the role of this variant in disease. Therefore, it has been classified as a Variant of Uncertain Significance. Variants that disrupt the consensus splice site are a relatively common cause of aberrant splicing (PMID: 17576681, 9536098). Algorithms developed to predict the effect of sequence changes on RNA splicing suggest that this variant may create or strengthen a splice site. This variant has not been reported in the literature in individuals affected with MYH3-related conditions. This variant is not present in population databases (gnomAD no frequency). This sequence change falls in intron 37 of the MYH3 gene. It does not directly change the encoded amino acid sequence of the MYH3 protein. It affects a nucleotide within the consensus splice site.

Literature cited by the submitters: PubMed 17576681; PubMed 9536098.